The following is an entry in ClinVar:

ClinVar aggregate classification (germline): Pathogenic (1 of 4 stars; one submission).

Conditions:
Congenital myotonia, autosomal recessive form. Also called: BECKER DISEASE; Becker Generalized Myotonia; myotonia congenita, autosomal recessive. Identifiers: Orphanet 614, MedGen C0751360, MONDO:0009715, OMIM 255700.
Congenital myotonia, autosomal dominant form (THD). Also called: THOMSEN DISEASE; Myotonia congenita autosomal dominant. Identifiers: Orphanet 614, MedGen C2936781, MONDO:0008055, OMIM 160800.

Submission:

Labcorp Genetics (formerly Invitae), Labcorp
Classification: Pathogenic for Congenital myotonia, autosomal recessive form; Congenital myotonia, autosomal dominant form. Last evaluated: 2020-10-29. Review status: criteria provided, single submitter. Criteria: Invitae Variant Classification Sherloc (09022015). Collection method: clinical testing. Allele origin: germline.
Comment: This sequence change creates a premature translational stop signal (p.Leu861Trpfs*62) in the CLCN1 gene. While this is not anticipated to result in nonsense mediated decay, it is expected to disrupt the last 128 amino acid(s) of the CLCN1 protein. This variant is not present in population databases (ExAC no frequency). This variant has not been reported in the literature in individuals with CLCN1-related conditions. This variant disrupts the C-terminus of the CLCN1 protein. Other variant(s) that disrupt this region (p.Gly945Argfs*39) have been determined to be pathogenic (PMID: 18337100, Invitae). This suggests that variants that disrupt this region of the protein are likely to be causative of disease. For these reasons, this variant has been classified as Pathogenic.

Literature cited by the submitters: PubMed 18337100.

NM_000083.3(CLCN1):c.2581del (p.Leu861fs)

Gene: CLCN1 (chloride voltage-gated channel 1; plus strand). Cytogenetic location: 7q34.
Variant type: Deletion.
Coding change: c.2581del on transcript NM_000083.3 (MANE Select); coding-DNA position 2581, one base deleted (C; older notation c.2581delC).
Protein change: p.Leu861fs; shifts the reading frame from leucine 861.
Molecular consequence: frameshift variant. On other transcripts: non-coding transcript variant (1).
Genome position (GRCh38, 1-based): chr7:143,350,640, C deleted; the last of 2 consecutive C bases (chr7:143,350,639-143,350,640); deleting either gives the same sequence. VCF-style (leftmost placement, unchanged base first): chr7-143350638-TC-T. GRCh37 (hg19) VCF-style: chr7-143047731-TC-T.
Other names: short protein forms L861fs.
Identifiers: ClinVar variation 1427478 (VCV001427478.8), dbSNP rs2116397821, ClinGen allele CA2573141806.